The following is an entry in ClinVar:

ClinVar aggregate classification (germline): Benign/Likely benign. Review status: criteria provided, multiple submitters, no conflicts (2 of 4 stars). 3 submissions from 3 submitters: Benign (2); Likely benign (1). Last evaluated 2026-01-24.

Conditions:
Ichthyosis linearis circumflexa. Identifiers: MedGen C0265962, MONDO:0043106, HP:0025810.

Submissions (3):

Labcorp Genetics (formerly Invitae), Labcorp
Classification: Likely benign for Ichthyosis linearis circumflexa. Last evaluated: 2026-01-24. Review status: criteria provided, single submitter. Criteria: Invitae Variant Classification Sherloc (09022015). Collection method: clinical testing. Allele origin: germline.

Unidad de Genómica Garrahan, Hospital de Pediatría Garrahan
Classification: Benign. Last evaluated: 2024-01-24. Review status: criteria provided, single submitter. Criteria: ACMG Guidelines, 2015. Collection method: clinical testing. Allele origin: germline. Affected: no. Observed: 71 variant alleles.
Comment: This variant is classified as Benign based on local population frequency. This variant was detected in 75% of patients studied by a panel of primary immunodeficiencies. Number of patients: 71. Only high quality variants are reported.

GeneDx
Classification: Benign. Last evaluated: 2015-03-03. Review status: criteria provided, single submitter. Criteria: GeneDx Variant Classification Process June 2021. Collection method: clinical testing. Allele origin: germline. Affected: yes.

NM_006846.4(SPINK5):c.2667-12del

Gene: SPINK5 (serine peptidase inhibitor Kazal type 5; plus strand). Cytogenetic location: 5q32.
Variant type: Deletion.
Coding change: c.2667-12del on transcript NM_006846.4 (MANE Select); 12 bases into the intron before coding-DNA position 2667, one base deleted (A; older notation c.2667-12delA).
Molecular consequence: intron variant.
Genome position (GRCh38, 1-based): chr5:148,124,753, A deleted; the last of 2 consecutive A bases (chr5:148,124,752-148,124,753); deleting either gives the same sequence. VCF-style (leftmost placement, unchanged base first): chr5-148124751-TA-T. GRCh37 (hg19) VCF-style: chr5-147504314-TA-T.
Other names: c.2667-12del (NM_001127698.2, NM_001127699.2).
Identifiers: ClinVar variation 1227133 (VCV001227133.8), dbSNP rs368593462, ClinGen allele CA3496073.
Genomic context (GRCh38, chr5:148,124,751, plus strand): 5'-AAATACTTGGTTAAAGACAATTCAGTAACAACCCTTGAAAAATTACCCTATCTTTTTTTT[TA>T]ATTATTCTGCAGTGATCGAGAAGCTAATGAAAGAAAAAAGAAAGATGAAGAGAAATCAAG-3'